The following is an entry in ClinVar:

ClinVar aggregate classification (germline): Likely benign. Review status: criteria provided, multiple submitters, no conflicts (2 of 4 stars). 2 submissions from 2 submitters: Likely benign (2). Last evaluated 2018-06-16.

Allele frequency attached by ClinVar (database versions not stated): 1000 Genomes Project 0.01498; 1000 Genomes Project 30x 0.01530; ExAC 0.02338; TOPMed 0.02761; gnomAD 0.02874 and 0.02941.

Submissions (2):

GeneDx
Classification: Likely benign. Last evaluated: 2018-06-16. Review status: criteria provided, single submitter. Criteria: GeneDx Variant Classification (06012015). Collection method: clinical testing. Allele origin: germline. Affected: yes.
Comment: This variant is considered likely benign or benign based on one or more of the following criteria: it is a conservative change, it occurs at a poorly conserved position in the protein, it is predicted to be benign by multiple in silico algorithms, and/or has population frequency not consistent with disease.

Breakthrough Genomics
Classification: Likely benign. Review status: criteria provided, single submitter. Criteria: ACMG Guidelines, 2015. Collection method: not provided. Allele origin: germline. Inheritance: Autosomal recessive inheritance. Affected: yes.

NM_006294.5(UQCRB):c.259-274C>T

Gene: UQCRB (ubiquinol-cytochrome c reductase binding protein; minus strand). Cytogenetic location: 8q22.1.
Variant type: single nucleotide variant.
Coding change: c.259-274C>T on transcript NM_006294.5 (MANE Select); 274 bases into the intron before coding-DNA position 259, C replaced by T.
Molecular consequence: intron variant. On other transcripts: missense variant (1), non-coding transcript variant (1).
Genome position (GRCh38, 1-based): chr8:96,231,406, G>A on the plus strand (C>T on the coding strand, the complement: UQCRB is on the minus strand). VCF-style: chr8-96231406-G-A. GRCh37 (hg19) VCF-style: chr8-97243634-G-A.
Other names: c.368C>T, p.Pro123Leu (NM_001254752.2); c.163-274C>T (NM_001199975.3); short protein forms P123L.
Identifiers: ClinVar variation 676767 (VCV000676767.2), dbSNP rs36123415, ClinGen allele CA4815862.
Genomic context (GRCh38, chr8:96,231,406, plus strand): 5'-TTCGGGAAGAAAAAGAAATGAATGTCCACAGGCCTTTGCCTAGTTTCAATGCAGTTCAAG[G>A]GGTGAGAGTTTGCTTCACAGAAGCTCTTCTTGGGATCTGGAGGGACACTCAATGGGCTGA-3'